The following is an entry in ClinVar:

NM_153490.3(KRT13):c.610G>A (p.Val204Met)

Gene: KRT13 (keratin 13; minus strand). Cytogenetic location: 17q21.2.
Variant type: single nucleotide variant.
Coding change: c.610G>A on transcript NM_153490.3 (MANE Select); coding-DNA position 610, G replaced by A.
Protein change: p.Val204Met; replaces valine 204 with methionine.
Molecular consequence: missense variant.
Genome position (GRCh38, 1-based): chr17:41,503,412, C>T on the plus strand (G>A on the coding strand, the complement: KRT13 is on the minus strand). VCF-style: chr17-41503412-C-T. GRCh37 (hg19) VCF-style: chr17-39659664-C-T.
Other names: c.610G>A, p.Val204Met (NM_002274.4); short protein forms V204M.
Identifiers: ClinVar variation 323095 (VCV000323095.5), dbSNP rs138102206, ClinGen allele CA8560707.

ClinVar aggregate classification (germline): Likely benign (1 of 4 stars; one submission).

Conditions:
White sponge nevus 2 (WSN2). Identifiers: MedGen C4014321, MONDO:0014346, OMIM 615785.

Allele frequency attached by ClinVar (database versions not stated): 1000 Genomes Project 30x 0.00016; 1000 Genomes Project 0.00020; TOPMed 0.00025; ESP Exome Variant Server 0.00069.

Submission:

Illumina Laboratory Services, Illumina
Classification: Likely benign for White sponge nevus 2. Last evaluated: 2018-01-13. Review status: criteria provided, single submitter. Criteria: ICSL Variant Classification Criteria 13 December 2019. Collection method: clinical testing. Allele origin: germline.
Comment: This variant was observed in the ICSL laboratory as part of a predisposition screen in an ostensibly healthy population. It had not been previously curated by ICSL or reported in the Human Gene Mutation Database (HGMD: prior to June 1st, 2018), and was therefore a candidate for classification through an automated scoring system. Utilizing variant allele frequency, disease prevalence and penetrance estimates, and inheritance mode, an automated score was calculated to assess if this variant is too frequent to cause the disease. Based on the score and internal cut-off values, a variant classified as likely benign is not then subjected to further curation. The score for this variant resulted in a classification of likely benign for this disease.